The following is an entry in ClinVar:

NM_005689.4(ABCB6):c.2350A>G (p.Arg784Gly)

Gene: ABCB6 (ATP binding cassette subfamily B member 6 (LAN blood group); minus strand). Cytogenetic location: 2q35.
Variant type: single nucleotide variant.
Coding change: c.2350A>G on transcript NM_005689.4 (MANE Select); coding-DNA position 2350, A replaced by G.
Protein change: p.Arg784Gly; replaces arginine 784 with glycine.
Molecular consequence: missense variant.
Genome position (GRCh38, 1-based): chr2:219,210,382, T>C on the plus strand (A>G on the coding strand, the complement: ABCB6 is on the minus strand). VCF-style: chr2-219210382-T-C. GRCh37 (hg19) VCF-style: chr2-220075104-T-C.
Other names: c.2212A>G, p.Arg738Gly (NM_001349828.2); short protein forms R738G, R784G.
Identifiers: ClinVar variation 1334672 (VCV001334672.4), dbSNP rs2106420840, ClinGen allele CA350681869.

ClinVar aggregate classification (germline): Uncertain significance (1 of 4 stars; one submission).

Allele frequency attached by ClinVar (database versions not stated): gnomAD exomes below 0.00001.
gnomAD v4.1: 1 of 1,614,200 alleles (0.000062%); highest among the groups gnomAD compares: Non-Finnish European, 0.000085%; no homozygotes.

Submission:

Greenwood Genetic Center Diagnostic Laboratories, Greenwood Genetic Center
Classification: Uncertain significance. Last evaluated: 2021-11-29. Review status: criteria provided, single submitter. Criteria: ACMG Guidelines, 2015. Collection method: clinical testing. Allele origin: germline. Affected: yes.
Comment: PM2